The following is an entry in ClinVar:

ClinVar aggregate classification (germline): Benign/Likely benign. Review status: criteria provided, multiple submitters, no conflicts (2 of 4 stars). 3 submissions from 3 submitters: Benign (2); Likely benign (1). Last evaluated 2025-02-01.

Allele frequency attached by ClinVar (database versions not stated): ESP Exome Variant Server 0.00392; TOPMed 0.00478; 1000 Genomes Project 30x 0.00484; 1000 Genomes Project 0.00499; gnomAD 0.00545 and 0.00548; gnomAD exomes 0.00706; ExAC 0.00715.
gnomAD v4.1: 10,646 of 1,609,122 alleles (0.66%); highest among the groups gnomAD compares: Middle Eastern, 2.4%; 54 homozygotes.

Submissions (3):

CeGaT Center for Human Genetics Tuebingen
Classification: Likely benign. Last evaluated: 2025-02-01. Review status: criteria provided, single submitter. Criteria: CeGaT Center For Human Genetics Tuebingen Variant Classification Criteria Version 2. Collection method: clinical testing. Allele origin: germline. Affected: yes. Observed: 2 variant alleles.
Comment: KEAP1: BP4, BP7, BS2

Labcorp Genetics (formerly Invitae), Labcorp
Classification: Benign. Last evaluated: 2019-12-31. Review status: criteria provided, single submitter. Criteria: Invitae Variant Classification Sherloc (09022015). Collection method: clinical testing. Allele origin: germline.

Breakthrough Genomics
Classification: Benign. Review status: criteria provided, single submitter. Criteria: ACMG Guidelines, 2015. Collection method: not provided. Allele origin: germline. Inheritance: Unknown mechanism. Affected: yes.

NM_203500.2(KEAP1):c.90G>A (p.Ala30=)

Gene: KEAP1 (kelch like ECH associated protein 1; minus strand). Cytogenetic location: 19p13.2.
Variant type: single nucleotide variant.
Coding change: c.90G>A on transcript NM_203500.2 (MANE Select); coding-DNA position 90, G replaced by A.
Protein change: p.Ala30=; no amino-acid change (alanine 30 retained).
Molecular consequence: synonymous variant.
Genome position (GRCh38, 1-based): chr19:10,499,944, C>T on the plus strand (G>A on the coding strand, the complement: KEAP1 is on the minus strand). VCF-style: chr19-10499944-C-T. GRCh37 (hg19) VCF-style: chr19-10610620-C-T.
Other names: c.90G>A, p.Ala30= (NM_012289.4).
Identifiers: ClinVar variation 720212 (VCV000720212.29), dbSNP rs80113737, ClinGen allele CA9195701.